The following is an entry in ClinVar:

ClinVar aggregate classification (germline): Likely pathogenic (1 of 4 stars; one submission).

Conditions:
Granulomatous disease, chronic, autosomal recessive, cytochrome b-negative. Also called: GRANULOMATOUS DISEASE, CHRONIC, AUTOSOMAL RECESSIVE, 4; Chronic granulomatous disease, autosomal, due to deficiency of CYBA; CGD DUE TO DEFICIENCY OF THE ALPHA SUBUNIT OF CYTOCHROME b; CGD, AUTOSOMAL RECESSIVE CYTOCHROME b-NEGATIVE; CYBA DEFICIENCY. Identifiers: Orphanet 379, MedGen C1856255, MONDO:0009308, OMIM 233690.

Submission:

Myriad Genetics, Inc.
Classification: Likely pathogenic for Granulomatous disease, chronic, autosomal recessive, cytochrome b-negative. Last evaluated: 2025-04-29. Review status: criteria provided, single submitter. Criteria: Myriad Autosomal Dominant, Autosomal Recessive and X-Linked Classification Criteria (2023). Collection method: clinical testing. Allele origin: unknown.
Comment: NM_000101.3(CYBA):c.385G>A(E129K) is a missense variant classified as likely pathogenic in the context of chronic granulomatous disease, CYBA-related. E129K has been observed in cases with relevant disease (PMID: 33717137, 38954121, 34547651, 32009323). Relevant functional assessments of this variant are available in the literature (PMID: 36606663). E129K has been observed in referenced population frequency databases. In summary, NM_000101.3(CYBA):c.385G>A(E129K) is a missense variant that has been observed more frequently in cases with the relevant disease than in healthy populations. Please note: this variant was assessed in the context of healthy population screening.

Literature cited by the submitters: PubMed 32009323; PubMed 33717137; PubMed 34547651; PubMed 36606663; PubMed 38954121.

NM_000101.4(CYBA):c.385G>A (p.Glu129Lys)

Gene: CYBA (cytochrome b-245 alpha chain; minus strand). Cytogenetic location: 16q24.2.
Variant type: single nucleotide variant.
Coding change: c.385G>A on transcript NM_000101.4 (MANE Select); coding-DNA position 385, G replaced by A.
Protein change: p.Glu129Lys; replaces glutamic acid 129 with lysine.
Molecular consequence: missense variant.
Genome position (GRCh38, 1-based): chr16:88,643,556, C>T on the plus strand (G>A on the coding strand, the complement: CYBA is on the minus strand). VCF-style: chr16-88643556-C-T. GRCh37 (hg19) VCF-style: chr16-88709964-C-T.
Other names: short protein forms E129K.
Identifiers: ClinVar variation 4081621 (VCV004081621.1).